The following is an entry in ClinVar:

ClinVar aggregate classification (germline): Likely benign. Review status: criteria provided, multiple submitters, no conflicts (2 of 4 stars). 6 submissions from 6 submitters: Likely benign (6). Last evaluated 2026-01-21.

Conditions:
Primary ciliary dyskinesia. Also called: Ciliary dyskinesia. Identifiers: Orphanet 244, MedGen C0008780, MONDO:0016575, HP:0012265.

Allele frequency attached by ClinVar (database versions not stated): gnomAD 0.00033 and 0.00034; gnomAD exomes 0.00033 and 0.00039; ESP Exome Variant Server 0.00034; TOPMed 0.00039; ExAC 0.00040.
gnomAD v4.1: 615 of 1,613,388 alleles (0.038%); highest among the groups gnomAD compares: Non-Finnish European, 0.051%; 1 homozygote.

Submissions (6):

Labcorp Genetics (formerly Invitae), Labcorp
Classification: Likely benign for Primary ciliary dyskinesia. Last evaluated: 2026-01-21. Review status: criteria provided, single submitter. Criteria: Invitae Variant Classification Sherloc (09022015). Collection method: clinical testing. Allele origin: germline.

Mayo Clinic Laboratories, Mayo Clinic
Classification: Likely benign. Last evaluated: 2025-07-31. Review status: criteria provided, single submitter. Criteria: ACMG Guidelines, 2015. Collection method: clinical testing. Allele origin: germline. Observed: 1 variant allele.
Comment: BP4, BP7

Laboratory of Genetics, Children's Clinical University Hospital Latvia
Classification: Likely benign. Last evaluated: 2025-02-16. Review status: criteria provided, single submitter. Criteria: ACMG Guidelines, 2015. Collection method: clinical testing. Allele origin: germline. Affected: yes.

CeGaT Center for Human Genetics Tuebingen
Classification: Likely benign. Last evaluated: 2025-02-01. Review status: criteria provided, single submitter. Criteria: CeGaT Center For Human Genetics Tuebingen Variant Classification Criteria Version 2. Collection method: clinical testing. Allele origin: germline. Affected: yes. Observed: 3 variant alleles.
Comment: DNAH11: BP4

Blueprint Genetics
Classification: Likely benign. Last evaluated: 2024-11-17. Review status: criteria provided, single submitter. Criteria: ACMG Guidelines, 2015. Collection method: clinical testing. Allele origin: germline.

Ambry Genetics
Classification: Likely benign for Primary ciliary dyskinesia. Last evaluated: 2016-11-16. Review status: criteria provided, single submitter. Criteria: Ambry Variant Classification Scheme 2023. Collection method: clinical testing. Allele origin: germline.

NM_001277115.2(DNAH11):c.1749T>A (p.Val583=)

Gene: DNAH11 (dynein axonemal heavy chain 11; plus strand). Cytogenetic location: 7p15.3.
Variant type: single nucleotide variant.
Coding change: c.1749T>A on transcript NM_001277115.2 (MANE Select); coding-DNA position 1749, T replaced by A.
Protein change: p.Val583=; no amino-acid change (valine 583 retained).
Molecular consequence: synonymous variant.
Genome position (GRCh38, 1-based): chr7:21,588,102, T>A. VCF-style: chr7-21588102-T-A. GRCh37 (hg19) VCF-style: chr7-21627720-T-A.
Other names: p.Val583=.
Identifiers: ClinVar variation 220049 (VCV000220049.45), dbSNP rs368294823, ClinGen allele CA349508.